The following is an entry in ClinVar:

ClinVar aggregate classification (germline): Uncertain significance. Review status: criteria provided, multiple submitters, no conflicts (2 of 4 stars). 2 submissions from 2 submitters: Uncertain significance (2). Last evaluated 2025-06-26.

Conditions:
Combined oxidative phosphorylation defect type 27. Also called: Combined oxidative phosphorylation deficiency 27. Identifiers: Orphanet 477774, MedGen C5567608, MONDO:0014728, OMIM 616672.
Inborn genetic diseases. Identifiers: MedGen C0950123, MeSH D030342.

Allele frequency attached by ClinVar (database versions not stated): gnomAD exomes below 0.00001; TOPMed below 0.00001.
gnomAD v4.1: 4 of 1,607,058 alleles (0.00025%); highest among the groups gnomAD compares: Non-Finnish European, 0.00034%; no homozygotes.

Submissions (2):

Ambry Genetics
Classification: Uncertain significance for Inborn genetic diseases. Last evaluated: 2025-06-26. Review status: criteria provided, single submitter. Criteria: Ambry Variant Classification Scheme 2023. Collection method: clinical testing. Allele origin: germline.

Labcorp Genetics (formerly Invitae), Labcorp
Classification: Uncertain significance for Combined oxidative phosphorylation defect type 27. Last evaluated: 2021-09-02. Review status: criteria provided, single submitter. Criteria: Invitae Variant Classification Sherloc (09022015). Collection method: clinical testing. Allele origin: germline.
Comment: This sequence change replaces alanine with valine at codon 386 of the CARS2 protein (p.Ala386Val). The alanine residue is weakly conserved and there is a small physicochemical difference between alanine and valine. This variant is not present in population databases (ExAC no frequency). This variant has not been reported in the literature in individuals affected with CARS2-related conditions. Algorithms developed to predict the effect of missense changes on protein structure and function output the following: SIFT: "Tolerated"; PolyPhen-2: "Benign"; Align-GVGD: "Class C0". The valine amino acid residue is found in multiple mammalian species, which suggests that this missense change does not adversely affect protein function. Algorithms developed to predict the effect of sequence changes on RNA splicing suggest that this variant may create or strengthen a splice site. In summary, the available evidence is currently insufficient to determine the role of this variant in disease. Therefore, it has been classified as a Variant of Uncertain Significance.

NM_024537.4(CARS2):c.1157C>T (p.Ala386Val)

Gene: CARS2 (cysteinyl-tRNA synthetase 2, mitochondrial; minus strand). Cytogenetic location: 13q34.
Variant type: single nucleotide variant.
Coding change: c.1157C>T on transcript NM_024537.4 (MANE Select); coding-DNA position 1157, C replaced by T.
Protein change: p.Ala386Val; replaces alanine 386 with valine.
Molecular consequence: missense variant. On other transcripts: non-coding transcript variant (2).
Genome position (GRCh38, 1-based): chr13:110,647,137, G>A on the plus strand (C>T on the coding strand, the complement: CARS2 is on the minus strand). VCF-style: chr13-110647137-G-A. GRCh37 (hg19) VCF-style: chr13-111299484-G-A.
Other names: c.371C>T, p.Ala124Val (NM_001352252.2); c.1157C>T (NM_024537.2); short protein forms A124V, A386V.
Identifiers: ClinVar variation 1019252 (VCV001019252.7), dbSNP rs1186393420, ClinGen allele CA388744018.
Genomic context (GRCh38, chr13:110,647,137, plus strand): 5'-CCGGGTGCTAGGCGGGCCTCTTACCTCTCCCACAGCATCGCTTCCCTGACGGAGCCGCAG[G>A]CCAGCTGCCCCTTCATGTAGGCACGTGCGTCCTCCAGGAAAGAGCCCAGCCCCAGGAGCA-3'
Protein context (NP_078813.1, residues 376-396): DARAYMKGQL[Ala386Val]CGSVREAMLW